The following is an entry in ClinVar:

ClinVar aggregate classification (germline): Uncertain significance. Review status: criteria provided, multiple submitters, no conflicts (2 of 4 stars). 2 submissions from 2 submitters: Uncertain significance (2). Last evaluated 2026-06-15.

Conditions:
NEK1-related disorder. Also called: NEK1-related condition.
Short-rib thoracic dysplasia 6 with or without polydactyly (SRTD6). Also called: POLYDACTYLY WITH NEONATAL CHONDRODYSTROPHY, TYPE II; SHORT RIB-POLYDACTYLY SYNDROME, TYPE IIA; Majewski Syndrome; SHORT-RIB THORACIC DYSPLASIA 6 WITH POLYDACTYLY; SHORT-RIB THORACIC DYSPLASIA 6 WITHOUT POLYDACTYLY. Identifiers: MedGen C0024507, MONDO:0009894, OMIM 263520.

gnomAD v4.1: 5 of 1,605,158 alleles (0.00031%); highest among the groups gnomAD compares: East Asian, 0.009%; no homozygotes.

Submissions (2):

PreventionGenetics, part of Exact Sciences
Classification: Uncertain significance for NEK1-related condition. Last evaluated: 2026-06-15. Review status: criteria provided, single submitter. Criteria: ACMG Guidelines, 2015. Collection method: clinical testing. Allele origin: germline.
Comment: The NEK1 c.3602A>G variant is predicted to result in the amino acid substitution p.Lys1201Arg. This variant was reported in at least two individuals with amyotrophic lateral sclerosis (described as c.3686A>G, p.K1229R in NM_001199397 in Shu et al. 2018. PubMed ID: 30093141; Supplementary Table 1, Hu et al. 2023. PubMed ID: 37952009). This variant is reported in 0.023% of alleles in individuals of East Asian descent in gnomAD. At this time, the clinical significance of this variant is uncertain due to the absence of conclusive functional and genetic evidence.

Labcorp Genetics (formerly Invitae), Labcorp
Classification: Uncertain significance for Short-rib thoracic dysplasia 6 with or without polydactyly. Last evaluated: 2025-09-01. Review status: criteria provided, single submitter. Criteria: Invitae Variant Classification Sherloc (09022015). Collection method: clinical testing. Allele origin: germline.
Comment: This sequence change replaces lysine, which is basic and polar, with arginine, which is basic and polar, at codon 1201 of the NEK1 protein (p.Lys1201Arg). This variant is present in population databases (rs781318085, gnomAD 0.02%). This missense change has been observed in individual(s) with amyotrophic lateral sclerosis (PMID: 30093141, 36443167, 37952009). This variant is also known as c.3686A>G p.K1229R. Invitae Evidence Modeling of protein sequence and biophysical properties (such as structural, functional, and spatial information, amino acid conservation, physicochemical variation, residue mobility, and thermodynamic stability) has been performed for this missense variant. However, the output from this modeling did not meet the statistical confidence thresholds required to predict the impact of this variant on NEK1 protein function. In summary, the available evidence is currently insufficient to determine the role of this variant in disease. Therefore, it has been classified as a Variant of Uncertain Significance.

Literature cited by the submitters: PubMed 30093141 (cited by Labcorp Genetics (formerly Invitae), Labcorp); PubMed 36443167 (cited by Labcorp Genetics (formerly Invitae), Labcorp); PubMed 37952009 (cited by Labcorp Genetics (formerly Invitae), Labcorp).

NM_001199397.3(NEK1):c.3686A>G (p.Lys1229Arg)

Gene: NEK1 (NIMA related kinase 1; minus strand). Cytogenetic location: 4q33.
Variant type: single nucleotide variant.
Coding change: c.3686A>G on transcript NM_001199397.3 (MANE Select); coding-DNA position 3686, A replaced by G.
Protein change: p.Lys1229Arg; replaces lysine 1229 with arginine.
Molecular consequence: missense variant. On other transcripts: non-coding transcript variant (1).
Genome position (GRCh38, 1-based): chr4:169,400,549, T>C on the plus strand (A>G on the coding strand, the complement: NEK1 is on the minus strand). VCF-style: chr4-169400549-T-C. GRCh37 (hg19) VCF-style: chr4-170321700-T-C.
Other names: c.3554A>G, p.Lys1185Arg (NM_001199398.3); c.3395A>G, p.Lys1132Arg (NM_001199399.3); c.3470A>G, p.Lys1157Arg (NM_001199400.3); c.3686A>G, p.Lys1229Arg (NM_001374418.1); c.3602A>G, p.Lys1201Arg (NM_001374419.1, NM_012224.4); c.3551A>G, p.Lys1184Arg (NM_001374420.1); c.3203A>G, p.Lys1068Arg (NM_001374421.1); c.3509A>G, p.Lys1170Arg (NM_001440620.1); and 6 more; short protein forms K1098R, K1126R, K1184R, K1201R, K1229R, K950R, K1068R, K1132R.
Identifiers: ClinVar variation 4737585 (VCV004737585.2).